The following is an entry in ClinVar:

NM_006384.4(CIB1):c.195+54C>T

Gene: CIB1 (calcium and integrin binding 1; minus strand). Cytogenetic location: 15q26.1.
Variant type: single nucleotide variant.
Coding change: c.195+54C>T on transcript NM_006384.4 (MANE Select); 54 bases into the intron after coding-DNA position 195, C replaced by T.
Molecular consequence: intron variant.
Genome position (GRCh38, 1-based): chr15:90,232,165, G>A on the plus strand (C>T on the coding strand, the complement: CIB1 is on the minus strand). VCF-style: chr15-90232165-G-A. GRCh37 (hg19) VCF-style: chr15-90775397-G-A.
Other names: c.315+54C>T (NM_001277764.2).
Identifiers: ClinVar variation 2688353 (VCV002688353.2), dbSNP rs2073703, ClinGen allele CA14089684.
Genomic context (GRCh38, chr15:90,232,165, plus strand): 5'-GACCAGAGTGGGGACCAGTGACCCCATGATCCCAAAGCTAGTGGCAGATGGAGTTAGGGG[G>A]TCTAGCAGGGAGGGAGTGGTGGGAGAGGTGTCAAAGGAGGGGAGCGCTTGCACCTTGAGC-3'

ClinVar aggregate classification (germline): Benign (1 of 4 stars; one submission).

Allele frequency attached by ClinVar (database versions not stated): TOPMed 0.48933; gnomAD 0.49534; gnomAD exomes 0.50722; 1000 Genomes Project 30x 0.58807; 1000 Genomes Project 0.59385.
gnomAD v4.1: 703,132 of 1,389,782 alleles (51%); highest among the groups gnomAD compares: East Asian, 78%; 182,424 homozygotes.

Submission:

Unidad de Genómica Garrahan, Hospital de Pediatría Garrahan
Classification: Benign. Last evaluated: 2024-01-24. Review status: criteria provided, single submitter. Criteria: ACMG Guidelines, 2015. Collection method: clinical testing. Allele origin: germline. Affected: no. Observed: 70 variant alleles.
Comment: This variant is classified as Benign based on local population frequency. This variant was detected in 80% of patients studied by a panel of primary immunodeficiencies. Number of patients: 70. Only high quality variants are reported.